The following is an entry in ClinVar:

ClinVar aggregate classification (germline): Pathogenic/Likely pathogenic. Review status: criteria provided, multiple submitters, no conflicts (2 of 4 stars). 2 submissions from 2 submitters: Pathogenic (1); Likely pathogenic (1). Last evaluated 2024-06-17.

Conditions:
Cardiovascular phenotype. Identifiers: MedGen CN230736.

Submissions (2):

Ambry Genetics
Classification: Likely pathogenic for Cardiovascular phenotype. Last evaluated: 2024-06-17. Review status: criteria provided, single submitter. Criteria: Ambry Variant Classification Scheme 2023. Collection method: clinical testing. Allele origin: germline.
Comment: The c.36420delA variant, located in coding exon 133 of the TTN gene, results from a deletion of one nucleotide at nucleotide position 36420, causing a translational frameshift with a predicted alternate stop codon (p.V12141Sfs*41). This exon is located in the A-band region of the N2-B isoform of the titin protein and is constitutively expressed in TTN transcripts (percent spliced in or PSI 100%). This alteration is expected to result in loss of function by premature protein truncation or nonsense-mediated mRNA decay. While truncating variants in TTN are present in 1-3% of the general population, truncating variants in the A-band are the most common cause of dilated cardiomyopathy (DCM) (Herman DS et al. N. Engl. J. Med., 2012 Feb;366:619-28; Roberts AM et al. Sci Transl Med, 2015 Jan;7:270ra6). TTN truncating variants encoded in constitutive exons (PSI >90%) have been found to be significantly associated with DCM regardless of their position in titin (Schafer S et al. Nat. Genet., 2017 01;49:46-53). This variant is considered to be rare based on population cohorts in the Genome Aggregation Database (gnomAD). Based on the majority of available evidence to date, this variant is likely to be pathogenic.

Clinical Genetics Laboratory, Skane University Hospital Lund
Classification: Pathogenic. Last evaluated: 2022-05-27. Review status: criteria provided, single submitter. Criteria: ACMG Guidelines, 2015. Collection method: clinical testing. Allele origin: germline. Affected: yes.

NM_001267550.2(TTN):c.63615del (p.Val21206fs)

Genes: TTN (titin; minus strand), TTN-AS1 (TTN antisense RNA 1; plus strand). Cytogenetic location: 2q31.2.
Variant type: Deletion.
Coding change: c.63615del on transcript NM_001267550.2 (MANE Select); coding-DNA position 63615, one base deleted (A; older notation c.63615delA).
Protein change: p.Val21206fs; shifts the reading frame from valine 21206.
Molecular consequence: frameshift variant.
Genome position (GRCh38, 1-based): chr2:178,587,694, T deleted on the plus strand (A on the coding strand, the reverse complement: TTN is on the minus strand); the first of 3 consecutive T bases (chr2:178,587,694-178,587,696); deleting any one gives the same sequence. VCF-style (leftmost placement, unchanged base first): chr2-178587693-CT-C. GRCh37 (hg19) VCF-style: chr2-179452420-CT-C.
Other names: c.58692del, p.Val19565fs (NM_001256850.1); c.36420del, p.Val12141fs (NM_003319.4); c.55911del, p.Val18638fs (NM_133378.4); c.36795del, p.Val12266fs (NM_133432.3); c.36996del, p.Val12333fs (NM_133437.4); c.36420delA (NM_003319.4); short protein forms V12141fs, V12333fs, V12266fs, V18638fs, V19565fs, V21206fs.
Identifiers: ClinVar variation 3330137 (VCV003330137.2).